The following is an entry in ClinVar:

NM_018398.3(CACNA2D3):c.3164G>T (p.Cys1055Phe)

Gene: CACNA2D3 (calcium voltage-gated channel auxiliary subunit alpha2delta 3; plus strand). Cytogenetic location: 3p14.3.
Variant type: single nucleotide variant.
Coding change: c.3164G>T on transcript NM_018398.3 (MANE Select); coding-DNA position 3164, G replaced by T.
Protein change: p.Cys1055Phe; replaces cysteine 1055 with phenylalanine.
Molecular consequence: missense variant.
Genome position (GRCh38, 1-based): chr3:55,073,840, G>T. VCF-style: chr3-55073840-G-T. GRCh37 (hg19) VCF-style: chr3-55107867-G-T.
Other names: short protein forms C1055F.
Identifiers: ClinVar variation 4986879 (VCV004986879.1).
Genomic context (GRCh38, chr3:55,073,840, plus strand): 5'-ATGAATCCCTTAAGTGTGAACGTCTAAAGGCCCAGAAGATCAGAAGGCGCCCAGAATCTT[G>T]TCATGGCTTCCATCCTGAGGTAAGTCTGAGAACTGTTCCTGTTTCCTTTTCCCATCAGAA-3'
Protein context (NP_060868.2, residues 1045-1065): AQKIRRRPES[Cys1055Phe]HGFHPEENAR

ClinVar aggregate classification (germline): Uncertain significance (1 of 4 stars; one submission).

Conditions:
CACNA2D3-related disorder. Also called: CACNA2D3-related condition.

Submission:

PreventionGenetics, part of Exact Sciences
Classification: Uncertain significance for CACNA2D3-related condition. Last evaluated: 2025-04-28. Review status: criteria provided, single submitter. Criteria: ACMG Guidelines, 2015. Collection method: clinical testing. Allele origin: germline.
Comment: The CACNA2D3 c.3164G>T variant is predicted to result in the amino acid substitution p.Cys1055Phe. To our knowledge, this variant has not been reported in the literature or in a large population database (gnomAD), indicating this variant is rare. At this time, the clinical significance of this variant is uncertain due to the absence of conclusive functional and genetic evidence.